The following is an entry in ClinVar:

NM_004655.4(AXIN2):c.1564C>A (p.His522Asn)

Gene: AXIN2 (axin 2; minus strand). Cytogenetic location: 17q24.1.
Variant type: single nucleotide variant.
Coding change: c.1564C>A on transcript NM_004655.4 (MANE Select); coding-DNA position 1564, C replaced by A.
Protein change: p.His522Asn; replaces histidine 522 with asparagine.
Molecular consequence: missense variant.
Genome position (GRCh38, 1-based): chr17:65,537,472, G>T on the plus strand (C>A on the coding strand, the complement: AXIN2 is on the minus strand). VCF-style: chr17-65537472-G-T. GRCh37 (hg19) VCF-style: chr17-63533590-G-T.
Other names: c.1564C>A, p.His522Asn (NM_001363813.1); short protein forms H522N.
Identifiers: ClinVar variation 4188361 (VCV004188361.1).

ClinVar aggregate classification (germline): Uncertain significance (1 of 4 stars; one submission).

Conditions:
Hereditary cancer-predisposing syndrome. Also called: Neoplastic Syndromes, Hereditary; Tumor predisposition; Hereditary Cancer Syndrome; Hereditary neoplastic syndrome. Identifiers: Orphanet 140162, MedGen C0027672, MeSH D009386, MONDO:0015356.

Submission:

Ambry Genetics
Classification: Uncertain significance for Hereditary cancer-predisposing syndrome. Last evaluated: 2025-08-04. Review status: criteria provided, single submitter. Criteria: Ambry Variant Classification Scheme 2023. Collection method: clinical testing. Allele origin: germline.
Comment: The p.H522N variant (also known as c.1564C>A), located in coding exon 5 of the AXIN2 gene, results from a C to A substitution at nucleotide position 1564. The histidine at codon 522 is replaced by asparagine, an amino acid with similar properties. This amino acid position is conserved. In addition, this alteration is predicted to be tolerated by in silico analysis. Based on the available evidence, the clinical significance of this variant remains unclear.